The following is an entry in ClinVar:

NM_001377.3(DYNC2H1):c.989G>A (p.Arg330His)

Gene: DYNC2H1 (dynein cytoplasmic 2 heavy chain 1; plus strand). Cytogenetic location: 11q22.3.
Variant type: single nucleotide variant.
Coding change: c.989G>A on transcript NM_001377.3 (MANE Select); coding-DNA position 989, G replaced by A.
Protein change: p.Arg330His; replaces arginine 330 with histidine.
Molecular consequence: missense variant.
Genome position (GRCh38, 1-based): chr11:103,117,853, G>A. VCF-style: chr11-103117853-G-A. GRCh37 (hg19) VCF-style: chr11-102988582-G-A.
Other names: c.989G>A, p.Arg330His (NM_001080463.2); short protein forms R330H.
Identifiers: ClinVar variation 2185679 (VCV002185679.5), dbSNP rs2496802501, ClinGen allele CA382248575.
Genomic context (GRCh38, chr11:103,117,853, plus strand): 5'-TTCCTCATCCATGGAAAAATGAAAAATATTTTCCAGAAACACTTGACAAACTTGGCAAAC[G>A]CCTTGAAGAGGTATCAATTTGATTATCTAGATCTTTGTCTTTAAATGTAAAGTGTATCTT-3'
Protein context (NP_001368.2, residues 320-340): FPETLDKLGK[Arg330His]LEEVLAIRTI

ClinVar aggregate classification (germline): Likely pathogenic. Review status: criteria provided, multiple submitters, no conflicts (2 of 4 stars). 2 submissions from 2 submitters: Likely pathogenic (2). Last evaluated 2022-11-28.

Conditions:
Jeune thoracic dystrophy. Also called: Jeune syndrome; Infantile thoracic dystrophy; Thoracic pelvic phalangeal dystrophy; Jeune's syndrome; Chondroectodermal dysplasia-like syndrome; Short-rib thoracic dysplasia. Identifiers: Orphanet 474, MedGen C0265275, MONDO:0018770.
Asphyxiating thoracic dystrophy 3. Also called: POLYDACTYLY WITH NEONATAL CHONDRODYSTROPHY, TYPE I; SHORT-RIB THORACIC DYSPLASIA 3/6 WITH POLYDACTYLY, DIGENIC; Short rib polydactyly syndrome 2B; SHORT-RIB THORACIC DYSPLASIA 3 WITH OR WITHOUT POLYDACTYLY; Saldino-Noonan Syndrome. Identifiers: Orphanet 474, Orphanet 93269, Orphanet 93270, Orphanet 93271, MedGen C0036069, MONDO:0013127, OMIM 613091.

Allele frequency attached by ClinVar (database versions not stated): gnomAD exomes below 0.00001.

Submissions (2):

Labcorp Genetics (formerly Invitae), Labcorp
Classification: Likely pathogenic for Jeune thoracic dystrophy. Last evaluated: 2022-11-28. Review status: criteria provided, single submitter. Criteria: Invitae Variant Classification Sherloc (09022015). Collection method: clinical testing. Allele origin: germline.
Comment: In summary, the currently available evidence indicates that the variant is pathogenic, but additional data are needed to prove that conclusively. Therefore, this variant has been classified as Likely Pathogenic. This variant disrupts the p.Arg330 amino acid residue in DYNC2H1. Other variant(s) that disrupt this residue have been determined to be pathogenic (PMID: 22499340, 23456818, 29068549). This suggests that this residue is clinically significant, and that variants that disrupt this residue are likely to be disease-causing. Advanced modeling of protein sequence and biophysical properties (such as structural, functional, and spatial information, amino acid conservation, physicochemical variation, residue mobility, and thermodynamic stability) performed at Invitae indicates that this missense variant is expected to disrupt DYNC2H1 protein function. This variant has not been reported in the literature in individuals affected with DYNC2H1-related conditions. This variant is not present in population databases (gnomAD no frequency). This sequence change replaces arginine, which is basic and polar, with histidine, which is basic and polar, at codon 330 of the DYNC2H1 protein (p.Arg330His).

Kariminejad - Najmabadi Pathology & Genetics Center
Classification: Likely pathogenic for Asphyxiating thoracic dystrophy 3. Review status: criteria provided, single submitter. Criteria: ACMG Guidelines, 2015. Collection method: clinical testing. Allele origin: germline. Affected: no.

Literature cited by the submitters: PubMed 22499340 (cited by Labcorp Genetics (formerly Invitae), Labcorp); PubMed 23456818 (cited by Labcorp Genetics (formerly Invitae), Labcorp); PubMed 29068549 (cited by Labcorp Genetics (formerly Invitae), Labcorp).